The following is an entry in ClinVar:

NM_138694.4(PKHD1):c.2841del (p.Met947fs)

Gene: PKHD1 (PKHD1 ciliary IPT domain containing fibrocystin/polyductin; minus strand). Cytogenetic location: 6p12.2.
Variant type: Deletion.
Coding change: c.2841del on transcript NM_138694.4 (MANE Select); coding-DNA position 2841, one base deleted (G; older notation c.2841delG).
Protein change: p.Met947fs; shifts the reading frame from methionine 947.
Molecular consequence: frameshift variant.
Genome position (GRCh38, 1-based): chr6:52,043,115, C deleted on the plus strand (G on the coding strand, the reverse complement: PKHD1 is on the minus strand). VCF-style (leftmost placement, unchanged base first): chr6-52043114-TC-T. GRCh37 (hg19) VCF-style: chr6-51907912-TC-T.
Other names: c.2841delG (NM_138694.4); c.2841del, p.Met947fs (NM_170724.3); short protein forms M947fs.
Identifiers: ClinVar variation 4845800 (VCV004845800.1).

ClinVar aggregate classification (germline): Likely pathogenic (1 of 4 stars; one submission).

Conditions:
Polycystic kidney disease 4 (PKD4). Also called: POLYCYSTIC KIDNEY AND HEPATIC DISEASE 1; POLYCYSTIC KIDNEY DISEASE, INFANTILE, TYPE I; POLYCYSTIC KIDNEY DISEASE 4 WITH OR WITHOUT POLYCYSTIC LIVER DISEASE; PKD3; Autosomal Recessive Polycystic Kidney Disease – PKHD1. Identifiers: MedGen C4540575, MONDO:0033004, OMIM 263200.

Submission:

First Genomix Gene Laboratory, Genetic Diagnostics Department
Classification: Likely pathogenic for Polycystic kidney disease 4. Last evaluated: 2025-03-26. Review status: criteria provided, single submitter. Criteria: ACMG Guidelines, 2015. Collection method: clinical testing. Allele origin: germline. Inheritance: Autosomal recessive inheritance. Affected: no. Observed: 1 variant allele.